The following is an entry in ClinVar:

GRCh37/hg19 16p13.11(chr16:15493046-16291983)

Genes: ABCC6 (ATP binding cassette subfamily C member 6; minus strand), BMERB1 (bMERB domain containing 1; plus strand), MARF1 (meiosis regulator and mRNA stability factor 1; minus strand), MPV17L (MPV17 mitochondrial inner membrane protein like; plus strand), CEP20 (centrosomal protein 20; minus strand) and 3 more. Cytogenetic location: 16p13.11.
Variant type: copy number loss.
Identifiers: ClinVar variation 625572 (VCV000625572.1).

ClinVar aggregate classification (germline): Pathogenic (1 of 4 stars; one submission).

Submission:

Baylor Genetics
Classification: Pathogenic. Last evaluated: 2018-11-01. Review status: criteria provided, single submitter. Criteria: ACMG CNV Guidelines, 2011. Collection method: clinical testing. Allele origin: germline. Observed: 1 variant allele.
Comment: Deletions involving this region have been previously reported in patients with developmental delay, microcephaly, epilepsy, short stature, facial dysmorphism and behavioral problems [PMID: 23637818, 19843651]